The following is an entry in ClinVar:

ClinVar aggregate classification (germline): Likely pathogenic (1 of 4 stars; one submission).

gnomAD v4.1: 1 of 1,612,604 alleles (0.000062%); highest among the groups gnomAD compares: Non-Finnish European, 0.000085%; no homozygotes.

Submission:

Labcorp Genetics (formerly Invitae), Labcorp
Classification: Likely pathogenic. Last evaluated: 2024-03-13. Review status: criteria provided, single submitter. Criteria: Invitae Variant Classification Sherloc (09022015). Collection method: clinical testing. Allele origin: germline.
Comment: This sequence change replaces glutamic acid, which is acidic and polar, with lysine, which is basic and polar, at codon 636 of the ABCB11 protein (p.Glu636Lys). This variant is present in population databases (no rsID available, gnomAD 0.0009%). This variant has not been reported in the literature in individuals affected with ABCB11-related conditions. Advanced modeling of protein sequence and biophysical properties (such as structural, functional, and spatial information, amino acid conservation, physicochemical variation, residue mobility, and thermodynamic stability) performed at Invitae indicates that this missense variant is expected to disrupt ABCB11 protein function with a positive predictive value of 95%. This variant disrupts the p.Glu636 amino acid residue in ABCB11. Other variant(s) that disrupt this residue have been determined to be pathogenic (PMID: 12717091, 34942279). This suggests that this residue is clinically significant, and that variants that disrupt this residue are likely to be disease-causing. In summary, the currently available evidence indicates that the variant is pathogenic, but additional data are needed to prove that conclusively. Therefore, this variant has been classified as Likely Pathogenic.

Literature cited by the submitters: PubMed 12717091; PubMed 34942279.

NM_003742.4(ABCB11):c.1906G>A (p.Glu636Lys)

Gene: ABCB11 (ATP binding cassette subfamily B member 11; minus strand). Cytogenetic location: 2q31.1.
Variant type: single nucleotide variant.
Coding change: c.1906G>A on transcript NM_003742.4 (MANE Select); coding-DNA position 1906, G replaced by A.
Protein change: p.Glu636Lys; replaces glutamic acid 636 with lysine.
Molecular consequence: missense variant.
Genome position (GRCh38, 1-based): chr2:168,969,455, C>T on the plus strand (G>A on the coding strand, the complement: ABCB11 is on the minus strand). VCF-style: chr2-168969455-C-T. GRCh37 (hg19) VCF-style: chr2-169825965-C-T.
Other names: short protein forms E636K.
Identifiers: ClinVar variation 3644719 (VCV003644719.2).